The following is an entry in ClinVar:

NM_004863.4(SPTLC2):c.1117A>G (p.Met373Val)

Gene: SPTLC2 (serine palmitoyltransferase long chain base subunit 2; minus strand). Cytogenetic location: 14q24.3.
Variant type: single nucleotide variant.
Coding change: c.1117A>G on transcript NM_004863.4 (MANE Select); coding-DNA position 1117, A replaced by G.
Protein change: p.Met373Val; replaces methionine 373 with valine.
Molecular consequence: missense variant.
Genome position (GRCh38, 1-based): chr14:77,555,359, T>C on the plus strand (A>G on the coding strand, the complement: SPTLC2 is on the minus strand). VCF-style: chr14-77555359-T-C. GRCh37 (hg19) VCF-style: chr14-78021702-T-C.
Other names: short protein forms M373V.
Identifiers: ClinVar variation 3610995 (VCV003610995.2).

ClinVar aggregate classification (germline): Uncertain significance (1 of 4 stars; one submission).

Conditions:
Neuropathy, hereditary sensory and autonomic, type 1C. Also called: HSAN IC; HSN IC. Identifiers: Orphanet 36386, MedGen C3150896, MONDO:0013337, OMIM 613640.

gnomAD v4.1: 6 of 1,613,998 alleles (0.00037%); highest among the groups gnomAD compares: African/African-American, 0.008%; no homozygotes.

Submission:

Labcorp Genetics (formerly Invitae), Labcorp
Classification: Uncertain significance for Neuropathy, hereditary sensory and autonomic, type 1C. Last evaluated: 2024-03-24. Review status: criteria provided, single submitter. Criteria: Invitae Variant Classification Sherloc (09022015). Collection method: clinical testing. Allele origin: germline.
Comment: This sequence change replaces methionine, which is neutral and non-polar, with valine, which is neutral and non-polar, at codon 373 of the SPTLC2 protein (p.Met373Val). This variant is present in population databases (rs772944201, gnomAD 0.02%). This variant has not been reported in the literature in individuals affected with SPTLC2-related conditions. Advanced modeling of protein sequence and biophysical properties (such as structural, functional, and spatial information, amino acid conservation, physicochemical variation, residue mobility, and thermodynamic stability) performed at Invitae indicates that this missense variant is not expected to disrupt SPTLC2 protein function with a negative predictive value of 80%. In summary, the available evidence is currently insufficient to determine the role of this variant in disease. Therefore, it has been classified as a Variant of Uncertain Significance.